The following is an entry in ClinVar:

ClinVar aggregate classification (germline): Uncertain significance (1 of 4 stars; one submission).

Conditions:
Cohen syndrome (COH1). Also called: PEPPER SYNDROME; Cutis verticis gyrata, retinitis pigmentosa, and sensorineural deafness. Identifiers: Orphanet 193, MedGen C0265223, MONDO:0008999, OMIM 216550.

Allele frequency attached by ClinVar (database versions not stated): TOPMed below 0.00001; gnomAD exomes 0.00001.
gnomAD v4.1: 5 of 1,613,746 alleles (0.00031%); highest among the groups gnomAD compares: Non-Finnish European, 0.00042%; no homozygotes.

Submission:

Labcorp Genetics (formerly Invitae), Labcorp
Classification: Uncertain significance for Cohen syndrome. Last evaluated: 2022-08-15. Review status: criteria provided, single submitter. Criteria: Invitae Variant Classification Sherloc (09022015). Collection method: clinical testing. Allele origin: germline.
Comment: This sequence change replaces aspartic acid, which is acidic and polar, with glutamic acid, which is acidic and polar, at codon 1692 of the VPS13B protein (p.Asp1692Glu). This variant is present in population databases (no rsID available, gnomAD 0.004%). This variant has not been reported in the literature in individuals affected with VPS13B-related conditions. Algorithms developed to predict the effect of missense changes on protein structure and function are either unavailable or do not agree on the potential impact of this missense change (SIFT: "Not Available"; PolyPhen-2: "Probably Damaging"; Align-GVGD: "Not Available"). In summary, the available evidence is currently insufficient to determine the role of this variant in disease. Therefore, it has been classified as a Variant of Uncertain Significance.

NM_152564.5(VPS13B):c.5001T>A (p.Asp1667Glu)

Gene: VPS13B (vacuolar protein sorting 13 homolog B; plus strand). Cytogenetic location: 8q22.2.
Variant type: single nucleotide variant.
Coding change: c.5001T>A on transcript NM_152564.5 (MANE Select); coding-DNA position 5001, T replaced by A.
Protein change: p.Asp1667Glu; replaces aspartic acid 1667 with glutamic acid.
Molecular consequence: missense variant.
Genome position (GRCh38, 1-based): chr8:99,575,709, T>A. VCF-style: chr8-99575709-T-A. GRCh37 (hg19) VCF-style: chr8-100587937-T-A.
Other names: c.5076T>A, p.Asp1692Glu (NM_017890.5); short protein forms D1692E, D1667E.
Identifiers: ClinVar variation 2158621 (VCV002158621.1), dbSNP rs527950476, ClinGen allele CA182998648.